The following is an entry in ClinVar:

ClinVar aggregate classification (germline): Pathogenic. Review status: criteria provided, multiple submitters, no conflicts (2 of 4 stars). 2 submissions from 2 submitters: Pathogenic (2). Last evaluated 2022-07-14.

Conditions:
Hereditary cancer-predisposing syndrome. Also called: Tumor predisposition; Hereditary Cancer Syndrome; Neoplastic Syndromes, Hereditary; Hereditary neoplastic syndrome. Identifiers: Orphanet 140162, MedGen C0027672, MeSH D009386, MONDO:0015356.
Familial adenomatous polyposis 1 (FAP1). Also called: FAMILIAL ADENOMATOUS POLYPOSIS 1, ATTENUATED; POLYPOSIS, ADENOMATOUS INTESTINAL. Identifiers: MedGen C2713442, MONDO:0021056, OMIM 175100. Disease mechanism: loss of function.

Submissions (2):

Labcorp Genetics (formerly Invitae), Labcorp
Classification: Pathogenic for Familial adenomatous polyposis 1. Last evaluated: 2022-07-14. Review status: criteria provided, single submitter. Criteria: Invitae Variant Classification Sherloc (09022015). Collection method: clinical testing. Allele origin: germline.
Comment: A different truncation (p.Tyr2645Lysfs*14) that lies downstream of this variant has been determined to be pathogenic (PMID: 9824584, 1316610, 27081525, 8381579, 22135120, Invitae). This suggests that deletion of this region of the APC protein is causative of disease. For these reasons, this variant has been classified as Pathogenic. This variant is expected to disrupt the EB1 and HDLG binding sites, which mediate interactions with the cytoskeleton (PMID: 15311282, 17293347). While functional studies have not been performed to directly test the effect on APC protein function, this suggests that disruption of the C-terminal portion of the protein is functionally important. This variant has not been reported in the literature in individuals affected with APC-related conditions. This sequence change creates a premature translational stop signal (p.Ala921Glyfs*3) in the APC gene. While this is not anticipated to result in nonsense mediated decay, it is expected to disrupt the last 1923 amino acid(s) of the APC protein. This variant is not present in population databases (gnomAD no frequency).

Ambry Genetics
Classification: Pathogenic for Hereditary cancer-predisposing syndrome. Last evaluated: 2019-01-08. Review status: criteria provided, single submitter. Criteria: Ambry Variant Classification Scheme 2023. Collection method: clinical testing. Allele origin: germline.
Comment: The c.2761dupG pathogenic mutation, located in coding exon 15 of the APC gene, results from a duplication of G at nucleotide position 2761, causing a translational frameshift with a predicted alternate stop codon (p.A921Gfs*3). This alteration is expected to result in loss of function by premature protein truncation or nonsense-mediated mRNA decay. As such, this alteration is interpreted as a disease-causing mutation.

Literature cited by the submitters: PubMed 9824584 (cited by Labcorp Genetics (formerly Invitae), Labcorp); PubMed 1316610 (cited by Labcorp Genetics (formerly Invitae), Labcorp); PubMed 27081525 (cited by Labcorp Genetics (formerly Invitae), Labcorp); PubMed 8381579 (cited by Labcorp Genetics (formerly Invitae), Labcorp); PubMed 22135120 (cited by Labcorp Genetics (formerly Invitae), Labcorp); PubMed 15311282 (cited by Labcorp Genetics (formerly Invitae), Labcorp); PubMed 17293347 (cited by Labcorp Genetics (formerly Invitae), Labcorp).

NM_000038.6(APC):c.2761dup (p.Ala921fs)

Gene: APC (APC regulator of Wnt signaling pathway; plus strand). Cytogenetic location: 5q22.2.
Variant type: Duplication.
Coding change: c.2761dup on transcript NM_000038.6 (MANE Select); coding-DNA position 2761, one base duplicated (G; older notation c.2761dupG).
Protein change: p.Ala921fs; shifts the reading frame from alanine 921.
Molecular consequence: frameshift variant.
Genome position (GRCh38, 1-based): chr5:112,838,355, G duplicated. VCF-style (leftmost placement, unchanged base first): chr5-112838354-T-TG. GRCh37 (hg19) VCF-style: chr5-112174051-T-TG.
Other names: c.2761dup, p.Ala921fs (NM_001127510.3, NM_001354895.2); c.2707dup, p.Ala903fs (NM_001127511.3); c.2815dup, p.Ala939fs (NM_001354896.2); c.2791dup, p.Ala931fs (NM_001354897.2); c.2686dup, p.Ala896fs (NM_001354898.2); c.2677dup, p.Ala893fs (NM_001354899.2); c.2638dup, p.Ala880fs (NM_001354900.2); c.2584dup, p.Ala862fs (NM_001354901.2); and 16 more; short protein forms A862fs, A903fs, A931fs, A795fs, A830fs, A939fs, A638fs, A896fs.
Identifiers: ClinVar variation 1795699 (VCV001795699.7), dbSNP rs2533447467, ClinGen allele CA2580072791.